The following is an entry in ClinVar:

ClinVar aggregate classification (germline): Uncertain significance. Review status: criteria provided, multiple submitters, no conflicts (2 of 4 stars). 2 submissions from 2 submitters: Uncertain significance (2). Last evaluated 2025-10-09.

Conditions:
Cardiovascular phenotype. Identifiers: MedGen CN230736.
Hypertrophic cardiomyopathy 14. Identifiers: MedGen C2750467, MONDO:0013197, OMIM 613251.

Allele frequency attached by ClinVar (database versions not stated): gnomAD exomes below 0.00001 and 0.00001; ExAC 0.00001; gnomAD 0.00001; TOPMed 0.00001.
gnomAD v4.1: 10 of 1,612,684 alleles (0.00062%); highest among the groups gnomAD compares: Non-Finnish European, 0.00085%; no homozygotes.

Submissions (2):

Labcorp Genetics (formerly Invitae), Labcorp
Classification: Uncertain significance for Hypertrophic cardiomyopathy 14. Last evaluated: 2025-10-09. Review status: criteria provided, single submitter. Criteria: Invitae Variant Classification Sherloc (09022015). Collection method: clinical testing. Allele origin: germline.
Comment: This sequence change replaces glycine, which is neutral and non-polar, with arginine, which is basic and polar, at codon 254 of the MYH6 protein (p.Gly254Arg). The frequency data for this variant in the population databases is considered unreliable, as metrics indicate poor data quality at this position in the gnomAD database. This variant has not been reported in the literature in individuals affected with MYH6-related conditions. ClinVar contains an entry for this variant (Variation ID: 1433499). Invitae Evidence Modeling of protein sequence and biophysical properties (such as structural, functional, and spatial information, amino acid conservation, physicochemical variation, residue mobility, and thermodynamic stability) indicates that this missense variant is expected to disrupt MYH6 protein function with a positive predictive value of 80%. Algorithms developed to predict the effect of sequence changes on RNA splicing suggest that this variant may disrupt the consensus splice site. In summary, the available evidence is currently insufficient to determine the role of this variant in disease. Therefore, it has been classified as a Variant of Uncertain Significance.

Ambry Genetics
Classification: Uncertain significance for Cardiovascular phenotype. Last evaluated: 2025-05-19. Review status: criteria provided, single submitter. Criteria: Ambry Variant Classification Scheme 2023. Collection method: clinical testing. Allele origin: germline.

NM_002471.4(MYH6):c.760G>A (p.Gly254Arg)

Gene: MYH6 (myosin heavy chain 6; minus strand). Cytogenetic location: 14q11.2.
Variant type: single nucleotide variant.
Coding change: c.760G>A on transcript NM_002471.4 (MANE Select); coding-DNA position 760, G replaced by A.
Protein change: p.Gly254Arg; replaces glycine 254 with arginine.
Molecular consequence: missense variant.
Genome position (GRCh38, 1-based): chr14:23,403,754, C>T on the plus strand (G>A on the coding strand, the complement: MYH6 is on the minus strand). VCF-style: chr14-23403754-C-T. GRCh37 (hg19) VCF-style: chr14-23872963-C-T.
Other names: c.760G>A (NM_002471.3); short protein forms G254R.
Identifiers: ClinVar variation 1433499 (VCV001433499.10), dbSNP rs765016322, ClinGen allele CA7116034.
Genomic context (GRCh38, chr14:23,403,754, plus strand): 5'-AGCCTCCCTGCTGGTACTCACAGGTCTCTATGTCTGCAGAAGCCAGCTTTCCAGTGGCCC[C>T]AAAGTGGATCCTAATGAATTTCCCCTGGGGACGAATGGGACAGAGTGAGGGAACTGGCGG-3'
Protein context (NP_002462.2, residues 244-264): RFGKFIRIHF[Gly254Arg]ATGKLASADI